The following is an entry in ClinVar:

ClinVar aggregate classification (germline): Uncertain significance. Review status: criteria provided, multiple submitters, no conflicts (2 of 4 stars). 2 submissions from 2 submitters: Uncertain significance (2). Last evaluated 2020-01-06.

Conditions:
Leber congenital amaurosis 8 (LCA8). Identifiers: Orphanet 65, MedGen C3151202, MONDO:0013453, OMIM 613835.
Retinitis pigmentosa 12 (RP12). Also called: RP WITH OR WITHOUT PRESERVED PARAARTERIOLE RETINAL PIGMENT EPITHELIUM; RETINITIS PIGMENTOSA WITH OR WITHOUT PARAARTERIOLAR PRESERVATION OF RETINAL PIGMENT EPITHELIUM; RP WITH OR WITHOUT PPRPE. Identifiers: Orphanet 791, MedGen C1838647, MONDO:0010818, OMIM 600105.

Allele frequency attached by ClinVar (database versions not stated): gnomAD 0.00001; TOPMed 0.00001.
gnomAD v4.1: 1 of 1,613,756 alleles (0.000062%); highest among the groups gnomAD compares: Non-Finnish European, 0.000085%; no homozygotes.

Submissions (2):

Labcorp Genetics (formerly Invitae), Labcorp
Classification: Uncertain significance for Leber congenital amaurosis 8; Retinitis pigmentosa 12. Last evaluated: 2020-01-06. Review status: criteria provided, single submitter. Criteria: Invitae Variant Classification Sherloc (09022015). Collection method: clinical testing. Allele origin: germline.
Comment: In summary, the available evidence is currently insufficient to determine the role of this variant in disease. Therefore, it has been classified as a Variant of Uncertain Significance. Algorithms developed to predict the effect of missense changes on protein structure and function are either unavailable or do not agree on the potential impact of this missense change (SIFT: "Deleterious"; PolyPhen-2: "Probably Damaging"; Align-GVGD: "Class C15"). This variant has not been reported in the literature in individuals with CRB1-related conditions. This variant is not present in population databases (ExAC no frequency). This sequence change replaces phenylalanine with leucine at codon 1125 of the CRB1 protein (p.Phe1125Leu). The phenylalanine residue is highly conserved and there is a small physicochemical difference between phenylalanine and leucine.

Blueprint Genetics
Classification: Uncertain significance. Last evaluated: 2019-11-08. Review status: criteria provided, single submitter. Criteria: ACMG Guidelines, 2015. Collection method: clinical testing. Allele origin: germline.

NM_201253.3(CRB1):c.3375T>A (p.Phe1125Leu)

Gene: CRB1 (crumbs cell polarity complex component 1; plus strand). Cytogenetic location: 1q31.3.
Variant type: single nucleotide variant.
Coding change: c.3375T>A on transcript NM_201253.3 (MANE Select); coding-DNA position 3375, T replaced by A.
Protein change: p.Phe1125Leu; replaces phenylalanine 1125 with leucine.
Molecular consequence: missense variant. On other transcripts: non-coding transcript variant (2), intron variant (1).
Genome position (GRCh38, 1-based): chr1:197,435,238, T>A. VCF-style: chr1-197435238-T-A. GRCh37 (hg19) VCF-style: chr1-197404368-T-A.
Other names: c.2129-362T>A (NM_001257966.2); c.3039T>A, p.Phe1013Leu (NM_001193640.2); c.3303T>A, p.Phe1101Leu (NM_001257965.2); short protein forms F1013L, F1101L, F1125L.
Identifiers: ClinVar variation 998555 (VCV000998555.10), dbSNP rs1226422852, ClinGen allele CA344047441.
Genomic context (GRCh38, chr1:197,435,238, plus strand): 5'-TTATCTCTCTTACTTTGAAAATGTTCATGGTTTCATTAATAAACCTCAGGAAGAGCAATT[T>A]CTCAAAATCTCTACCAATTCAGTGGTCACTGGCTGTTTGCAGTTAAATGTCTGCAACTCC-3'
Protein context (NP_957705.1, residues 1115-1135): GFINKPQEEQ[Phe1125Leu]LKISTNSVVT